The following is an entry in ClinVar:

ClinVar aggregate classification (germline): Conflicting classifications of pathogenicity. Review status: criteria provided, conflicting classifications (1 of 4 stars). 5 submissions from 5 submitters: Pathogenic (1); Likely pathogenic (2); Uncertain significance (2). Last evaluated 2025-08-11.

Conditions:
Medium-chain acyl-coenzyme A dehydrogenase deficiency (ACADMD). Also called: Medium chain acyl-CoA dehydrogenase deficiency; CARNITINE DEFICIENCY SECONDARY TO MEDIUM-CHAIN ACYL-CoA DEHYDROGENASE DEFICIENCY; MCADD; MCADH DEFICIENCY; MCAD Deficiency; ACADM DEFICIENCY. Identifiers: Orphanet 42, MedGen C0220710, MONDO:0008721, OMIM 201450.

Allele frequency attached by ClinVar (database versions not stated): ExAC 0.00001; TOPMed 0.00002; gnomAD 0.00001; gnomAD exomes 0.00001.
gnomAD v4.1: 17 of 1,614,018 alleles (0.0011%); highest among the groups gnomAD compares: African/African-American, 0.004%; no homozygotes.

Submissions (5):

Myriad Genetics, Inc.
Classification: Uncertain significance for Medium-chain acyl-coenzyme A dehydrogenase deficiency. Last evaluated: 2025-08-11. Review status: criteria provided, single submitter. Criteria: Myriad Autosomal Dominant, Autosomal Recessive and X-Linked Classification Criteria (2023). Collection method: clinical testing. Allele origin: unknown.
Comment: NM_000016.4(ACADM):c.1046G>A(R349Q) is a missense variant classified as a variant of uncertain significance in the context of medium-chain acyl-CoA dehydrogenase deficiency. R349Q has been observed in a case with relevant disease (PMID: 33580884). Relevant functional assessments of this variant are not available in the literature. R349Q has been observed in referenced population frequency databases. In summary, there is insufficient evidence to classify NM_000016.4(ACADM):c.1046G>A(R349Q) as pathogenic or benign. Please note: this variant was assessed in the context of healthy population screening.

Labcorp Genetics (formerly Invitae), Labcorp
Classification: Pathogenic for Medium-chain acyl-coenzyme A dehydrogenase deficiency. Last evaluated: 2025-02-03. Review status: criteria provided, single submitter. Criteria: Invitae Variant Classification Sherloc (09022015). Collection method: clinical testing. Allele origin: germline.
Comment: This sequence change replaces arginine, which is basic and polar, with glutamine, which is neutral and polar, at codon 349 of the ACADM protein (p.Arg349Gln). This variant is present in population databases (rs760335676, gnomAD 0.004%). This missense change has been observed in individual(s) with medium-chain acyl-coenzyme A dehydrogenase deficiency (internal data). In at least one individual the data is consistent with being in trans (on the opposite chromosome) from a pathogenic variant. ClinVar contains an entry for this variant (Variation ID: 1433388). Invitae Evidence Modeling of protein sequence and biophysical properties (such as structural, functional, and spatial information, amino acid conservation, physicochemical variation, residue mobility, and thermodynamic stability) indicates that this missense variant is not expected to disrupt ACADM protein function with a negative predictive value of 80%. For these reasons, this variant has been classified as Pathogenic.

Genomic Medicine Center of Excellence, King Faisal Specialist Hospital and Research Centre
Classification: Likely pathogenic for Medium-chain acyl-coenzyme A dehydrogenase deficiency. Last evaluated: 2024-10-13. Review status: criteria provided, single submitter. Criteria: ACMG Guidelines, 2015. Collection method: clinical testing. Allele origin: germline.
Comment: This variant (GRCh38; NM_001127328.3:c.1058G>A:p.Arg353Gln) results in a missense mutation with the conversion of Arginine (Basic amino acid) to Glutamine (Polar amino acid) in the ACADM protein. Located in a mutational hot spot and/or critical and well established functional domain without benign variation. Not observed at significant frequency in large population cohorts (gnomAD). Novel missense change at an amino acid residue where a different missense change determined to be pathogenic has been seen before. ClinVar contains an entry for this variant (Variation ID: 1433388). In summary, this variant meets our criteria for classification as Likely pathogenic based on the evidence outlined.

Fulgent Genetics
Classification: Likely pathogenic for Medium-chain acyl-coenzyme A dehydrogenase deficiency. Last evaluated: 2024-06-08. Review status: criteria provided, single submitter. Criteria: ACMG Guidelines, 2015. Collection method: clinical testing. Allele origin: germline.

Blueprint Genetics
Classification: Uncertain significance. Last evaluated: 2023-02-24. Review status: criteria provided, single submitter. Criteria: ACMG Guidelines, 2015. Collection method: clinical testing. Allele origin: germline.

Literature cited by the submitters: PubMed 33580884 (cited by Myriad Genetics, Inc.).

NM_000016.6(ACADM):c.1046G>A (p.Arg349Gln)

Gene: ACADM (acyl-CoA dehydrogenase medium chain; plus strand). Cytogenetic location: 1p31.1.
Variant type: single nucleotide variant.
Coding change: c.1046G>A on transcript NM_000016.6 (MANE Select); coding-DNA position 1046, G replaced by A.
Protein change: p.Arg349Gln; replaces arginine 349 with glutamine.
Molecular consequence: missense variant.
Genome position (GRCh38, 1-based): chr1:75,761,222, G>A. VCF-style: chr1-75761222-G-A. GRCh37 (hg19) VCF-style: chr1-76226907-G-A.
Other names: c.1058G>A (NM_001127328.2); c.1058G>A, p.Arg353Gln (NM_001127328.3); c.938G>A, p.Arg313Gln (NM_001286042.2); c.1145G>A, p.Arg382Gln (NM_001286043.2); c.479G>A, p.Arg160Gln (NM_001286044.2); short protein forms R313Q, R349Q, R160Q, R353Q, R382Q.
Identifiers: ClinVar variation 1433388 (VCV001433388.10), dbSNP rs760335676, ClinGen allele CA913268.